The following is an entry in ClinVar:

NM_000532.5(PCCB):c.649dup (p.Val217fs)

Gene: PCCB (propionyl-CoA carboxylase subunit beta; plus strand). Cytogenetic location: 3q22.3.
Variant type: Duplication.
Coding change: c.649dup on transcript NM_000532.5 (MANE Select); coding-DNA position 649, one base duplicated (G; older notation c.649dupG).
Protein change: p.Val217fs; shifts the reading frame from valine 217.
Molecular consequence: frameshift variant.
Genome position (GRCh38, 1-based): chr3:136,283,942, G duplicated; the last of 2 consecutive G bases (chr3:136,283,941-136,283,942); duplicating either gives the same sequence. VCF-style (leftmost placement, unchanged base first): chr3-136283940-T-TG. GRCh37 (hg19) VCF-style: chr3-136002782-T-TG.
Other names: c.649dupG (NM_000532.4); c.709dup, p.Val237fs (NM_001178014.2); short protein forms V217fs, V237fs.
Identifiers: ClinVar variation 203885 (VCV000203885.10), dbSNP rs796052021, ClinGen allele CA312827.

ClinVar aggregate classification (germline): Pathogenic. Review status: criteria provided, multiple submitters, no conflicts (2 of 4 stars). 3 submissions from 3 submitters: Pathogenic (2). 1 of the submissions does not count toward it. Last evaluated 2022-04-22.

Conditions:
Propionic acidemia (PROP). Also called: GLYCINEMIA, KETOTIC; HYPERGLYCINEMIA WITH KETOACIDOSIS AND LEUKOPENIA; KETOTIC HYPERGLYCINEMIA. Identifiers: Orphanet 35, MedGen C0268579, MONDO:0011628, OMIM 606054, HP:0003571.

Submissions (3):

GeneDx
Classification: Pathogenic. Last evaluated: 2022-04-22. Review status: criteria provided, single submitter. Criteria: GeneDx Variant Classification Process June 2021. Collection method: clinical testing. Allele origin: germline. Affected: yes.
Comment: Frameshift variant predicted to result in protein truncation or nonsense mediated decay in a gene for which loss of function is a known mechanism of disease; Not observed at significant frequency in large population cohorts (gnomAD); Has not been previously published as pathogenic or benign to our knowledge

Labcorp Genetics (formerly Invitae), Labcorp
Classification: Pathogenic for Propionic acidemia. Last evaluated: 2022-03-26. Review status: criteria provided, single submitter. Criteria: Invitae Variant Classification Sherloc (09022015). Collection method: clinical testing. Allele origin: germline.
Comment: For these reasons, this variant has been classified as Pathogenic. This sequence change creates a premature translational stop signal (p.Val217Glyfs*13) in the PCCB gene. It is expected to result in an absent or disrupted protein product. Loss-of-function variants in PCCB are known to be pathogenic (PMID: 15464417). This variant is not present in population databases (gnomAD no frequency). This variant has not been reported in the literature in individuals affected with PCCB-related conditions. ClinVar contains an entry for this variant (Variation ID: 203885).

Counsyl
Classification: Likely pathogenic for Propionic acidemia. Last evaluated: 2017-07-25. Review status: no assertion criteria provided. Collection method: clinical testing. Allele origin: unknown. Not counted in ClinVar's aggregate classification.

Literature cited by the submitters: PubMed 15464417 (cited by Labcorp Genetics (formerly Invitae), Labcorp).